The following is an entry in ClinVar:

NM_001040108.2(MLH3):c.1035A>G (p.Lys345=)

Gene: MLH3 (mutL homolog 3; minus strand). Cytogenetic location: 14q24.3.
Variant type: single nucleotide variant.
Coding change: c.1035A>G on transcript NM_001040108.2 (MANE Select); coding-DNA position 1035, A replaced by G.
Protein change: p.Lys345=; no amino-acid change (lysine 345 retained).
Molecular consequence: synonymous variant.
Genome position (GRCh38, 1-based): chr14:75,048,621, T>C on the plus strand (A>G on the coding strand, the complement: MLH3 is on the minus strand). VCF-style: chr14-75048621-T-C. GRCh37 (hg19) VCF-style: chr14-75515324-T-C.
Other names: c.1035A>G, p.Lys345= (NM_014381.3).
Identifiers: ClinVar variation 4875903 (VCV004875903.1).
Genomic context (GRCh38, chr14:75,048,621, plus strand): 5'-AAATTCCTTAATATCCTCACCTGATAATTCCACAAATAATTTTTCTTGCTTTAAAAACAT[T>C]TTCACTCCTTCCTGAATGCAAAACAAGAGAGTGTCCCAGTTCTGAAATTCAATCAGAGTT-3'
Protein context (NP_001035197.1, residues 335-355): TLLFCIQEGV[Lys345=]MFLKQEKLFV

ClinVar aggregate classification (germline): Benign (1 of 4 stars; one submission).

Conditions:
Colorectal cancer, hereditary nonpolyposis, type 7. Identifiers: Orphanet 144, MedGen C1858380, MONDO:0013725, OMIM 614385.

Submission:

Myriad Genetics, Inc.
Classification: Benign for Colorectal cancer, hereditary nonpolyposis, type 7. Last evaluated: 2026-04-29. Review status: criteria provided, single submitter. Criteria: Myriad Autosomal Dominant, Autosomal Recessive and X-Linked Classification Criteria (2023). Collection method: clinical testing. Allele origin: unknown.
Comment: This variant is considered benign. This variant is a silent/synonymous amino acid change and it is not expected to impact splicing.